The following is an entry in ClinVar:

ClinVar aggregate classification (germline): Uncertain significance (1 of 4 stars; one submission).

Conditions:
Hereditary cancer-predisposing syndrome. Also called: Neoplastic Syndromes, Hereditary; Tumor predisposition; Hereditary neoplastic syndrome; Hereditary Cancer Syndrome. Identifiers: Orphanet 140162, MedGen C0027672, MeSH D009386, MONDO:0015356.

Submission:

Ambry Genetics
Classification: Uncertain significance for Hereditary cancer-predisposing syndrome. Last evaluated: 2026-07-07. Review status: criteria provided, single submitter. Criteria: Ambry Variant Classification Scheme 2023. Collection method: clinical testing. Allele origin: germline.
Comment: The p.P84S variant (also known as c.250C>T), located in coding exon 5 of the SDHC gene, results from a C to T substitution at nucleotide position 250. The proline at codon 84 is replaced by serine, an amino acid with similar properties. This amino acid position is conserved. In addition, this alteration is predicted to be deleterious by in silico analysis. Based on the available evidence, the clinical significance of this variant remains unclear.

NM_003001.5(SDHC):c.414C>T (p.Asp138=)

Gene: SDHC (succinate dehydrogenase complex subunit C; plus strand). Cytogenetic location: 1q23.3.
Variant type: single nucleotide variant.
Coding change: c.414C>T on transcript NM_003001.5 (MANE Select); coding-DNA position 414, C replaced by T.
Protein change: p.Asp138=; no amino-acid change (aspartic acid 138 retained).
Molecular consequence: synonymous variant. On other transcripts: missense variant (3), non-coding transcript variant (1).
Genome position (GRCh38, 1-based): chr1:161,362,337, C>T. VCF-style: chr1-161362337-C-T. GRCh37 (hg19) VCF-style: chr1-161332127-C-T.
Other names: c.250C>T, p.Pro84Ser (NM_001035511.3); c.312C>T, p.Asp104= (NM_001035512.3); c.255C>T, p.Asp85= (NM_001035513.3); c.148C>T, p.Pro50Ser (NM_001278172.3); c.534C>T, p.Asp178= (NM_001407115.1); c.357C>T, p.Asp119= (NM_001407116.1); c.351C>T, p.Asp117= (NM_001407117.1); c.306C>T, p.Asp102= (NM_001407118.1); and 2 more; short protein forms P65S, P50S, P84S.
Identifiers: ClinVar variation 5029350 (VCV005029350.1).